The following is an entry in ClinVar:

NC_000013.10:g.(?_111293884)_(111319830_?)dup

Gene: CARS2 (cysteinyl-tRNA synthetase 2, mitochondrial; minus strand). Cytogenetic location: 13q34.
Variant type: Duplication.
Identifiers: ClinVar variation 1037860 (VCV001037860.1).

ClinVar aggregate classification (germline): Uncertain significance (1 of 4 stars; one submission).

Conditions:
Combined oxidative phosphorylation defect type 27. Also called: Combined oxidative phosphorylation deficiency 27. Identifiers: Orphanet 477774, MedGen C5567608, MONDO:0014728, OMIM 616672.

Submission:

Labcorp Genetics (formerly Invitae), Labcorp
Classification: Uncertain significance for Combined oxidative phosphorylation defect type 27. Last evaluated: 2020-09-08. Review status: criteria provided, single submitter. Criteria: Invitae Variant Classification Sherloc (09022015). Collection method: clinical testing. Allele origin: germline.
Comment: This variant results in a copy number gain of the genomic region encompassing exons 8-15 of the CARS2 gene. The 5' boundary is likely confined to intron 7. The 3' end of this event is unknown as it extends beyond the assayed region for this gene and therefore may encompass additional genes. As the precise location of this event is unknown, it may be in tandem or it may be located elsewhere in the genome. This variant has not been reported in the literature in individuals with CARS2-related conditions. In summary, the available evidence is currently insufficient to determine the role of this variant in disease. Therefore, it has been classified as a Variant of Uncertain Significance.